The following is an entry in ClinVar:

ClinVar aggregate classification (germline): Conflicting classifications of pathogenicity. Review status: criteria provided, conflicting classifications (1 of 4 stars). 3 submissions from 3 submitters: Likely pathogenic (1); Uncertain significance (1); Likely benign (1). Last evaluated 2026-09-23.

Conditions:
PCDH15-related disorder. Also called: PCDH15-related condition; PCDH15-related disorders.
Usher syndrome type 1F (USH1F). Also called: USHER SYNDROME, TYPE IF. Identifiers: Orphanet 231169, Orphanet 886, MedGen C1865885, MONDO:0011186, OMIM 602083.

Submissions (3):

PreventionGenetics, part of Exact Sciences
Classification: Uncertain significance for PCDH15-related condition. Last evaluated: 2026-09-23. Review status: criteria provided, single submitter. Criteria: ACMG Guidelines, 2015. Collection method: clinical testing. Allele origin: germline.
Comment: The PCDH15 c.5254_5280del27 variant is predicted to result in an in-frame deletion (p.Pro1752_Pro1760del). This variant was reported, along with a second potentially causative variant in the same gene, in individuals with hearing loss (Wu et al. 2020. PubMed ID: 32048449; Bi et al. 2025. PubMed ID: 40486680). This variant was also described in a large cohort of individuals with hearing loss (Table S2, Usami et al. 2021. PubMed ID: 34599366). This variant occurs in the last exon of the PCDH15 alternatively spliced transcript known as CD1 (NM_033056), but this exon is not required for proper inner ear hair cell function and maintenance of hearing and is not included in the biologically relevant transcript for hearing loss known as CD2 (NM_001142769; Webb et al. 2011. PubMed ID: 21427143; Pepermans et al. 2014. PubMed ID: 24940003). This variant is reported in 0.088% of alleles in individuals of East Asian descent in gnomAD. Although we suspect that this variant may be benign, the clinical significance of this variant is uncertain due to the absence of conclusive functional and genetic evidence.

Labcorp Genetics (formerly Invitae), Labcorp
Classification: Likely benign. Last evaluated: 2026-01-16. Review status: criteria provided, single submitter. Criteria: Invitae Variant Classification Sherloc (09022015). Collection method: clinical testing. Allele origin: germline.

Biochemistry Laboratory of CDMU, Chengde Medical University
Classification: Likely pathogenic for Usher syndrome type 1F. Review status: criteria provided, single submitter. Criteria: ACMG Guidelines, 2015. Collection method: case-control. Allele origin: inherited. Affected: yes.

NM_033056.4(PCDH15):c.5254_5280del (p.Pro1752_Pro1760del)

Gene: PCDH15 (protocadherin related 15; minus strand). Cytogenetic location: 10q21.1.
Variant type: Deletion.
Coding change: c.5254_5280del on transcript NM_033056.4 (MANE Plus Clinical); coding-DNA positions 5254 to 5280, 27 bases deleted (CCTATTTCTCCTCCTTCTCCTCCTCCT).
Protein change: p.Pro1752_Pro1760del.
Molecular consequence: inframe deletion. On other transcripts: intron variant (8).
Genome position (GRCh38, 1-based): chr10:53,822,446-53,822,472, AGGAGGAGGAGAAGGAGGAGAAATAGG deleted on the plus strand (CCTATTTCTCCTCCTTCTCCTCCTCCT on the coding strand, the reverse complement: PCDH15 is on the minus strand); deleting any 27 consecutive bases within chr10:53,822,446-53,822,481 gives the same sequence; the c. name uses the placement nearest the transcript's 3' end. VCF-style (leftmost placement, unchanged base first): chr10-53822445-CAGGAGGAGGAGAAGGAGGAGAAATAGG-C. GRCh37 (hg19) VCF-style: chr10-55582205-CAGGAGGAGGAGAAGGAGGAGAAATAGG-C.
Other names: c.4367+4921_4367+4947del (NM_001354420.2); c.4368-4459_4368-4433del (NM_001354429.2); c.4368-2242_4368-2216del (NM_001384140.1); c.4373+2664_4373+2690del (NM_001142772.2, NM_001142770.3); c.4388+2664_4388+2690del (NM_001142771.2); c.4388+4921_4388+4947del (NM_001354411.2); c.4409+2664_4409+2690del (NM_001142769.3); c.5254_5280del27 (NM_033056.3); and 9 more.
Identifiers: ClinVar variation 626267 (VCV000626267.12), dbSNP rs767526540, ClinGen allele CA5505079.